The following is an entry in ClinVar:

ClinVar aggregate classification (germline): Pathogenic (1 of 4 stars; one submission).

Conditions:
X-linked mixed hearing loss with perilymphatic gusher. Also called: Deafness, X-linked 2; NANCE DEAFNESS; PERILYMPHATIC GUSHER-DEAFNESS SYNDROME; SENSORINEURAL DEAFNESS, PROFOUND, WITH OR WITHOUT A CONDUCTIVE COMPONENT, ASSOCIATED WITH A UNIQUE DEVELOPMENTAL ABNORMALITY OF THE EAR; Gusher syndrome. Identifiers: Orphanet 383, MedGen C1844678, MONDO:0010576, OMIM 304400.

Submission:

Institute of Rare Diseases, West China Hospital, Sichuan University
Classification: Pathogenic for X-linked mixed hearing loss with perilymphatic gusher. Last evaluated: 2025-01-09. Review status: criteria provided, single submitter. Criteria: ClinGen HL ACMG Specifications v1. Collection method: research. Allele origin: germline. Affected: yes.
Comment: PVS1;PM3_Supporting;PM2_Supporting

NM_000307.5(POU3F4):c.366_367del (p.Ser123fs)

Gene: POU3F4 (POU class 3 homeobox 4; plus strand). Cytogenetic location: Xq21.1.
Variant type: Deletion.
Coding change: c.366_367del on transcript NM_000307.5 (MANE Select); coding-DNA positions 366 to 367, 2 bases deleted (GT; older notation c.366_367delGT).
Protein change: p.Ser123fs; shifts the reading frame from serine 123.
Molecular consequence: frameshift variant.
Genome position (GRCh38, 1-based): chrX:83,508,690-83,508,691, GT deleted. VCF-style (leftmost placement, unchanged base first): chrX-83508689-CGT-C. GRCh37 (hg19) VCF-style: chrX-82763697-CGT-C.
Other names: short protein forms S123fs.
Identifiers: ClinVar variation 3601656 (VCV003601656.1).